The following is an entry in ClinVar:

NM_001321075.3(DLG4):c.-12A>G

Genes: ACADVL (acyl-CoA dehydrogenase very long chain; plus strand), DLG4 (discs large MAGUK scaffold protein 4; minus strand). Cytogenetic location: 17p13.1.
Variant type: single nucleotide variant.
Coding change: c.-12A>G on transcript NM_001321075.3 (MANE Select); 12 bases upstream of the start codon, A replaced by G.
Molecular consequence: 5 prime UTR variant. On other transcripts: missense variant (1), intron variant (2).
Genome position (GRCh38, 1-based): chr17:7,217,159, T>C on the plus strand (A>G on the coding strand, the complement: DLG4 is on the minus strand). VCF-style: chr17-7217159-T-C. GRCh37 (hg19) VCF-style: chr17-7120478-T-C.
Other names: c.-12A>G (NM_001128827.4); c.14T>C, p.Leu5Pro (NM_001270447.2); c.159+1082A>G (NM_001365.5, NM_001321074.1); short protein forms L5P.
Identifiers: ClinVar variation 1176656 (VCV001176656.34), dbSNP rs763975299, ClinGen allele CA8337370.
Genomic context (GRCh38, chr17:7,217,159, plus strand): 5'-GCCCCCCCATCATGCTTACCTTGGTTGTCACTATACAGAGACAGTCCATGTTGGGGGGCC[T>C]GGCCGCGGCGGCGGGTAAGGGGCTCTGACTTCATCGGAGTTTCGTTCCTCCCCTCCGTGG-3'

ClinVar aggregate classification (germline): Benign (1 of 4 stars; one submission).

Allele frequency attached by ClinVar (database versions not stated): ExAC 0.00055; 1000 Genomes Project 30x 0.00047; gnomAD 0.00061 and 0.00062; gnomAD exomes 0.00066 and 0.00129; TOPMed 0.00049.
gnomAD v4.1: 840 of 1,288,510 alleles (0.065%); highest among the groups gnomAD compares: Middle Eastern, 0.074%; 1 homozygote.

Submission:

CeGaT Center for Human Genetics Tuebingen
Classification: Benign. Last evaluated: 2025-12-01. Review status: criteria provided, single submitter. Criteria: CeGaT Center For Human Genetics Tuebingen Variant Classification Criteria Version 2. Collection method: clinical testing. Allele origin: germline. Affected: yes. Observed: 5 variant alleles.
Comment: DLG4: BS1, BS2